The following is an entry in ClinVar:

NM_001256789.3(CACNA1F):c.791A>G (p.His264Arg)

Gene: CACNA1F (calcium voltage-gated channel subunit alpha1 F; minus strand). Cytogenetic location: Xp11.23.
Variant type: single nucleotide variant.
Coding change: c.791A>G on transcript NM_001256789.3 (MANE Select); coding-DNA position 791, A replaced by G.
Protein change: p.His264Arg; replaces histidine 264 with arginine.
Molecular consequence: missense variant.
Genome position (GRCh38, 1-based): chrX:49,230,246, T>C on the plus strand (A>G on the coding strand, the complement: CACNA1F is on the minus strand). VCF-style: chrX-49230246-T-C. GRCh37 (hg19) VCF-style: chrX-49086708-T-C.
Other names: c.791A>G, p.His264Arg (NM_005183.4); c.596A>G, p.His199Arg (NM_001256790.3); short protein forms H199R, H264R.
Identifiers: ClinVar variation 1504069 (VCV001504069.6), dbSNP rs1557110986, ClinGen allele CA412924218.
Genomic context (GRCh38, chrX:49,230,246, plus strand): 5'-GCATGTTCTGCCTAGGAGGGGCGGGCAGACTAACCGGATCCCAGGAAGTAGCACGTCTTG[T>C]GCATTCGTCCAAGGAACAGCTCGAGCCCAATGATGGCATAAATGATGATGACGAAGAGCA-3'
Protein context (NP_001243718.1, residues 254-274): IGLELFLGRM[His264Arg]KTCYFLGSDM

ClinVar aggregate classification (germline): Uncertain significance (1 of 4 stars; one submission).

Allele frequency attached by ClinVar (database versions not stated): gnomAD exomes below 0.00001.
gnomAD v4.1: 1 of 1,206,264 alleles (0.000083%); highest among the groups gnomAD compares: Admixed American, 0.0022%; no homozygotes.

Submission:

Labcorp Genetics (formerly Invitae), Labcorp
Classification: Uncertain significance. Last evaluated: 2021-11-22. Review status: criteria provided, single submitter. Criteria: Invitae Variant Classification Sherloc (09022015). Collection method: clinical testing. Allele origin: germline.
Comment: This sequence change replaces histidine, which is basic and polar, with arginine, which is basic and polar, at codon 264 of the CACNA1F protein (p.His264Arg). The frequency data for this variant in the population databases is considered unreliable, as metrics indicate poor data quality at this position in the gnomAD database. This variant has not been reported in the literature in individuals affected with CACNA1F-related conditions. Algorithms developed to predict the effect of missense changes on protein structure and function are either unavailable or do not agree on the potential impact of this missense change (SIFT: "Deleterious"; PolyPhen-2: "Probably Damaging"; Align-GVGD: "Class C0"). In summary, the available evidence is currently insufficient to determine the role of this variant in disease. Therefore, it has been classified as a Variant of Uncertain Significance.